The following is an entry in ClinVar:

NM_015627.3(LDLRAP1):c.227C>G (p.Ala76Gly)

Gene: LDLRAP1 (low density lipoprotein receptor adaptor protein 1; plus strand). Cytogenetic location: 1p36.11.
Variant type: single nucleotide variant.
Coding change: c.227C>G on transcript NM_015627.3 (MANE Select); coding-DNA position 227, C replaced by G.
Protein change: p.Ala76Gly; replaces alanine 76 with glycine.
Molecular consequence: missense variant.
Genome position (GRCh38, 1-based): chr1:25,554,060, C>G. VCF-style: chr1-25554060-C-G. GRCh37 (hg19) VCF-style: chr1-25880551-C-G.
Other names: short protein forms A76G.
Identifiers: ClinVar variation 648414 (VCV000648414.9), dbSNP rs760852972, ClinGen allele CA339077870.

ClinVar aggregate classification (germline): Uncertain significance. Review status: criteria provided, multiple submitters, no conflicts (2 of 4 stars). 2 submissions from 2 submitters: Uncertain significance (2). Last evaluated 2021-08-24.

Conditions:
Hypercholesterolemia, familial, 4 (FHCL4). Also called: HYPERCHOLESTEROLEMIA, AUTOSOMAL RECESSIVE, 1; HYPERCHOLESTEROLEMIA, AUTOSOMAL RECESSIVE, 2. Identifiers: Orphanet 391665, MedGen C1863512, MONDO:0011374, OMIM 603813.

gnomAD v4.1: 6 of 1,613,872 alleles (0.00037%); highest among the groups gnomAD compares: Non-Finnish European, 0.00051%; no homozygotes.

Submissions (2):

Labcorp Genetics (formerly Invitae), Labcorp
Classification: Uncertain significance for Hypercholesterolemia, familial, 4. Last evaluated: 2021-08-24. Review status: criteria provided, single submitter. Criteria: Invitae Variant Classification Sherloc (09022015). Collection method: clinical testing. Allele origin: germline.
Comment: This sequence change replaces alanine with glycine at codon 76 of the LDLRAP1 protein (p.Ala76Gly). The alanine residue is highly conserved and there is a small physicochemical difference between alanine and glycine. This variant is not present in population databases (ExAC no frequency). This variant has not been reported in the literature in individuals affected with LDLRAP1-related conditions. Algorithms developed to predict the effect of missense changes on protein structure and function are either unavailable or do not agree on the potential impact of this missense change (SIFT: "Deleterious"; PolyPhen-2: "Benign"; Align-GVGD: "Class C0"). Algorithms developed to predict the effect of sequence changes on RNA splicing suggest that this variant may create or strengthen a splice site. In summary, the available evidence is currently insufficient to determine the role of this variant in disease. Therefore, it has been classified as a Variant of Uncertain Significance.

Blueprint Genetics
Classification: Uncertain significance. Last evaluated: 2017-07-06. Review status: criteria provided, single submitter. Criteria: ACMG Guidelines, 2015. Collection method: clinical testing. Allele origin: germline.